The following is an entry in ClinVar:

NM_020320.5(RARS2):c.1650+1G>T

Gene: RARS2 (arginyl-tRNA synthetase 2, mitochondrial; minus strand). Cytogenetic location: 6q15.
Variant type: single nucleotide variant.
Coding change: c.1650+1G>T on transcript NM_020320.5 (MANE Select); the canonical splice donor site of the intron after coding-DNA position 1650, G replaced by T.
Molecular consequence: splice donor variant.
Genome position (GRCh38, 1-based): chr6:87,514,956, C>A on the plus strand (G>T on the coding strand, the complement: RARS2 is on the minus strand). VCF-style: chr6-87514956-C-A. GRCh37 (hg19) VCF-style: chr6-88224674-C-A.
Other names: c.1125+1G>T (NM_001350509.2, NM_001318785.2, NM_001350506.2 and 4 more transcripts); c.1650+1G>T (NM_001350505.2, NM_020320.4).
Identifiers: ClinVar variation 2678254 (VCV002678254.5), dbSNP rs1380223731, ClinGen allele CA364918227.
Genomic context (GRCh38, chr6:87,514,956, plus strand): 5'-GACTTAGTAATATTAGTCTCAGGAGCTAGGGATTATACAGAAAACATTCAACATAACGTA[C>A]CCCAGCCACTTCAGGAGGACTATCTTTTATTTGTAGTGTTTTGTGTGCCACAGCTGCAAG-3'

ClinVar aggregate classification (germline): Pathogenic/Likely pathogenic. Review status: criteria provided, multiple submitters, no conflicts (2 of 4 stars). 3 submissions from 3 submitters: Pathogenic (1); Likely pathogenic (2). Last evaluated 2025-05-12.

Conditions:
Pontocerebellar hypoplasia type 6 (PCH6). Identifiers: Orphanet 166073, MedGen C1969084, MONDO:0012683, OMIM 611523.

Allele frequency attached by ClinVar (database versions not stated): TOPMed 0.00001.
gnomAD v4.1: 1 of 1,608,104 alleles (0.000062%); no homozygotes.

Submissions (3):

Natera, Inc.
Classification: Likely pathogenic for Pontocerebellar hypoplasia, type 6. Last evaluated: 2025-05-12. Review status: criteria provided, single submitter. Criteria: Natera Variant Classification Schema (03/2026). Collection method: clinical testing. Allele origin: germline.
Comment: The c.1650+1G>T variant in RARS2 is a canonical splice donor site variant predicted to affect pre-mRNA splicing, which may result in an abnormal transcript and altered protein product. This variant is expected to result in nonsense mediated decay, truncation, or a dysfunctional protein product. This variant is rare in the general population with a frequency below the threshold expected for the associated phenotype(s). Given the available evidence, this variant is classified as Likely Pathogenic.

Labcorp Genetics (formerly Invitae), Labcorp
Classification: Pathogenic. Last evaluated: 2023-12-15. Review status: criteria provided, single submitter. Criteria: Invitae Variant Classification Sherloc (09022015). Collection method: clinical testing. Allele origin: germline.
Comment: This sequence change affects a donor splice site in intron 19 of the RARS2 gene. While this variant is not anticipated to result in nonsense mediated decay, it likely alters RNA splicing and results in a disrupted protein product. This variant is not present in population databases (gnomAD no frequency). This variant has not been reported in the literature in individuals affected with RARS2-related conditions. Variants that disrupt the consensus splice site are a relatively common cause of aberrant splicing (PMID: 17576681, 9536098). Algorithms developed to predict the effect of sequence changes on RNA splicing suggest that this variant may disrupt the consensus splice site. This variant disrupts a region of the RARS2 protein in which other variant(s) (p.Arg560His) have been determined to be pathogenic (PMID: 31618753, 31665838, 35068129; Invitae). This suggests that this is a clinically significant region of the protein, and that variants that disrupt it are likely to be disease-causing. For these reasons, this variant has been classified as Pathogenic.

Baylor Genetics
Classification: Likely pathogenic for Pontocerebellar hypoplasia type 6. Last evaluated: 2023-06-03. Review status: criteria provided, single submitter. Criteria: ACMG Guidelines, 2015. Collection method: clinical testing. Allele origin: unknown.

Literature cited by the submitters: PubMed 17576681 (cited by Labcorp Genetics (formerly Invitae), Labcorp); PubMed 9536098 (cited by Labcorp Genetics (formerly Invitae), Labcorp); PubMed 31618753 (cited by Labcorp Genetics (formerly Invitae), Labcorp); PubMed 31665838 (cited by Labcorp Genetics (formerly Invitae), Labcorp); PubMed 35068129 (cited by Labcorp Genetics (formerly Invitae), Labcorp).